The following is an entry in ClinVar:

ClinVar aggregate classification (germline): Uncertain significance (1 of 4 stars; one submission).

Conditions:
Neutropenia, severe congenital, 1, autosomal dominant. Identifiers: MedGen C1859966, MONDO:0042490, OMIM 202700.
Cyclical neutropenia. Also called: Cyclic Neutropenia; Cyclic hematopoiesis. Identifiers: Orphanet 2686, MedGen C0221023, MONDO:0008090, OMIM 162800, HP:0040289. Disease mechanism: loss of function.

Allele frequency attached by ClinVar (database versions not stated): gnomAD exomes below 0.00001; gnomAD 0.00001; TOPMed 0.00002.
gnomAD v4.1: 7 of 1,613,424 alleles (0.00043%); highest among the groups gnomAD compares: African/African-American, 0.0013%; no homozygotes.

Submission:

Labcorp Genetics (formerly Invitae), Labcorp
Classification: Uncertain significance for Neutropenia, severe congenital, 1, autosomal dominant; Cyclical neutropenia. Last evaluated: 2025-07-01. Review status: criteria provided, single submitter. Criteria: Invitae Variant Classification Sherloc (09022015). Collection method: clinical testing. Allele origin: germline.
Comment: This sequence change replaces phenylalanine, which is neutral and non-polar, with leucine, which is neutral and non-polar, at codon 218 of the ELANE protein (p.Phe218Leu). This variant is not present in population databases (gnomAD no frequency). This variant has not been reported in the literature in individuals affected with ELANE-related conditions. ClinVar contains an entry for this variant (Variation ID: 939586). Invitae Evidence Modeling of protein sequence and biophysical properties (such as structural, functional, and spatial information, amino acid conservation, physicochemical variation, residue mobility, and thermodynamic stability) has been performed for this missense variant. However, the output from this modeling did not meet the statistical confidence thresholds required to predict the impact of this variant on ELANE protein function. In summary, the available evidence is currently insufficient to determine the role of this variant in disease. Therefore, it has been classified as a Variant of Uncertain Significance.

NM_001972.4(ELANE):c.652T>C (p.Phe218Leu)

Gene: ELANE (elastase, neutrophil expressed; plus strand). Cytogenetic location: 19p13.3.
Variant type: single nucleotide variant.
Coding change: c.652T>C on transcript NM_001972.4 (MANE Select); coding-DNA position 652, T replaced by C.
Protein change: p.Phe218Leu; replaces phenylalanine 218 with leucine.
Molecular consequence: missense variant.
Genome position (GRCh38, 1-based): chr19:856,012, T>C. VCF-style: chr19-856012-T-C. GRCh37 (hg19) VCF-style: chr19-856012-T-C.
Other names: short protein forms F218L.
Identifiers: ClinVar variation 939586 (VCV000939586.12), dbSNP rs200384291, ClinGen allele CA303945275.